The following is an entry in ClinVar:

NM_000222.3(KIT):c.2713A>G (p.Thr905Ala)

Gene: KIT (KIT proto-oncogene, receptor tyrosine kinase; plus strand). Cytogenetic location: 4q12.
Variant type: single nucleotide variant.
Coding change: c.2713A>G on transcript NM_000222.3 (MANE Select); coding-DNA position 2713, A replaced by G.
Protein change: p.Thr905Ala; replaces threonine 905 with alanine.
Molecular consequence: missense variant.
Genome position (GRCh38, 1-based): chr4:54,737,191, A>G. VCF-style: chr4-54737191-A-G. GRCh37 (hg19) VCF-style: chr4-55603357-A-G.
Other names: c.2701A>G, p.Thr901Ala (NM_001093772.2, NM_001385292.1); c.2716A>G, p.Thr906Ala (NM_001385284.1); c.2710A>G, p.Thr904Ala (NM_001385285.1); c.2698A>G, p.Thr900Ala (NM_001385286.1); c.2704A>G, p.Thr902Ala (NM_001385288.1); c.2713A>G, p.Thr905Ala (NM_001385290.1); short protein forms T902A, T904A, T900A, T905A, T906A, T901A.
Identifiers: ClinVar variation 2122587 (VCV002122587.5), dbSNP rs2475585375, ClinGen allele CA356914244.

ClinVar aggregate classification (germline): Uncertain significance. Review status: criteria provided, multiple submitters, no conflicts (2 of 4 stars). 2 submissions from 2 submitters: Uncertain significance (2). Last evaluated 2025-03-31.

Conditions:
Hereditary cancer-predisposing syndrome. Also called: Hereditary Cancer Syndrome; Hereditary neoplastic syndrome; Neoplastic Syndromes, Hereditary; Tumor predisposition. Identifiers: Orphanet 140162, MedGen C0027672, MeSH D009386, MONDO:0015356.
Gastrointestinal stromal tumor. Also called: Gastrointestinal stroma tumor; Gastrointestinal stromal tumor, somatic. Identifiers: Orphanet 44890, MedGen C0238198, MeSH D046152, MONDO:0011719, OMIM 606764, HP:0100723.

Submissions (2):

Ambry Genetics
Classification: Uncertain significance for Hereditary cancer-predisposing syndrome. Last evaluated: 2025-03-31. Review status: criteria provided, single submitter. Criteria: Ambry Variant Classification Scheme 2023. Collection method: clinical testing. Allele origin: germline.
Comment: The p.T905A variant (also known as c.2713A>G), located in coding exon 20 of the KIT gene, results from an A to G substitution at nucleotide position 2713. The threonine at codon 905 is replaced by alanine, an amino acid with similar properties. This amino acid position is conserved. In addition, this alteration is predicted to be tolerated by in silico analysis. Based on the available evidence, the clinical significance of this variant remains unclear.

Labcorp Genetics (formerly Invitae), Labcorp
Classification: Uncertain significance for Gastrointestinal stromal tumor. Last evaluated: 2022-04-07. Review status: criteria provided, single submitter. Criteria: Invitae Variant Classification Sherloc (09022015). Collection method: clinical testing. Allele origin: germline.
Comment: In summary, the available evidence is currently insufficient to determine the role of this variant in disease. Therefore, it has been classified as a Variant of Uncertain Significance. Algorithms developed to predict the effect of missense changes on protein structure and function are either unavailable or do not agree on the potential impact of this missense change (SIFT: "Deleterious"; PolyPhen-2: "Benign"; Align-GVGD: "Class C0"). This variant has not been reported in the literature in individuals affected with KIT-related conditions. This variant is not present in population databases (gnomAD no frequency). This sequence change replaces threonine, which is neutral and polar, with alanine, which is neutral and non-polar, at codon 905 of the KIT protein (p.Thr905Ala).